The following is an entry in ClinVar:

ClinVar aggregate classification (germline): Pathogenic (1 of 4 stars; one submission).

Submission:

ISCA site 4
Classification: Pathogenic. Last evaluated: 2011-08-12. Review status: criteria provided, single submitter. Criteria: Kaminsky et al. (Genet Med. 2011). Collection method: clinical testing. Allele origin: unknown. Affected: yes. Observed: 1 variant allele.
Comment: Copy number variation identified through the course of routine clinical cytogenomic testing in postnatal populations. Clinical assertions have been curated as described in Kaminsky et al. 2011.

GRCh38/hg38 15q21.3-22.2(chr15:57456076-61907285)x1

Genes: ADAM10 (ADAM metallopeptidase domain 10; minus strand), ALDH1A2 (aldehyde dehydrogenase 1 family member A2; minus strand), ALDH1A2-AS1 (ALDH1A2 antisense RNA 1; plus strand), ANXA2 (annexin A2; minus strand), AQP9 (aquaporin 9; plus strand) and 138 more. Cytogenetic location: 15q21.3-22.2.
Variant type: copy number loss.
Change: copy number 1 (one copy instead of two) of chr15:57,456,076-61,907,285 (4.45 Mb, GRCh38 coordinates, 1-based), cytogenetic band 15q21.3-22.2.
Identifiers: ClinVar variation 57220 (VCV000057220.1).